The following is an entry in ClinVar:

NM_000540.3(RYR1):c.13453G>A (p.Glu4485Lys)

Gene: RYR1 (ryanodine receptor 1; plus strand). Cytogenetic location: 19q13.2.
Variant type: single nucleotide variant.
Coding change: c.13453G>A on transcript NM_000540.3 (MANE Select); coding-DNA position 13453, G replaced by A.
Protein change: p.Glu4485Lys; replaces glutamic acid 4485 with lysine.
Molecular consequence: missense variant.
Genome position (GRCh38, 1-based): chr19:38,566,926, G>A. VCF-style: chr19-38566926-G-A. GRCh37 (hg19) VCF-style: chr19-39057566-G-A.
Other names: c.13438G>A, p.Glu4480Lys (NM_001042723.2); short protein forms E4485K, E4480K.
Identifiers: ClinVar variation 1945390 (VCV001945390.5), dbSNP rs1345911103, ClinGen allele CA080845.

ClinVar aggregate classification (germline): Uncertain significance (1 of 4 stars; one submission).

Conditions:
RYR1-related disorder. Also called: RYR1-related condition; RYR1-related disorders. Identifiers: MedGen CN239331.

Allele frequency attached by ClinVar (database versions not stated): TOPMed below 0.00001.

Submission:

Labcorp Genetics (formerly Invitae), Labcorp
Classification: Uncertain significance for RYR1-related disorder. Last evaluated: 2022-08-16. Review status: criteria provided, single submitter. Criteria: Invitae Variant Classification Sherloc (09022015). Collection method: clinical testing. Allele origin: germline.
Comment: In summary, the available evidence is currently insufficient to determine the role of this variant in disease. Therefore, it has been classified as a Variant of Uncertain Significance. Advanced modeling of protein sequence and biophysical properties (such as structural, functional, and spatial information, amino acid conservation, physicochemical variation, residue mobility, and thermodynamic stability) performed at Invitae indicates that this missense variant is not expected to disrupt RYR1 protein function. This variant has not been reported in the literature in individuals affected with RYR1-related conditions. This variant is not present in population databases (gnomAD no frequency). This sequence change replaces glutamic acid, which is acidic and polar, with lysine, which is basic and polar, at codon 4485 of the RYR1 protein (p.Glu4485Lys).